The following is an entry in ClinVar:

NM_152222.2(RELT):c.1144G>A (p.Asp382Asn)

Gene: RELT (RELT TNF receptor; plus strand). Cytogenetic location: 11q13.4.
Variant type: single nucleotide variant.
Coding change: c.1144G>A on transcript NM_152222.2 (MANE Select); coding-DNA position 1144, G replaced by A.
Protein change: p.Asp382Asn; replaces aspartic acid 382 with asparagine.
Molecular consequence: missense variant. On other transcripts: non-coding transcript variant (2).
Genome position (GRCh38, 1-based): chr11:73,395,184, G>A. VCF-style: chr11-73395184-G-A. GRCh37 (hg19) VCF-style: chr11-73106229-G-A.
Other names: c.1168G>A, p.Asp390Asn (NM_001425248.1); c.1141G>A, p.Asp381Asn (NM_001425249.1); c.1144G>A, p.Asp382Asn (NM_001425250.1, NM_032871.4); c.1096G>A, p.Asp366Asn (NM_001425251.1); c.886G>A, p.Asp296Asn (NM_001425252.1, NM_001425253.1); short protein forms D366N, D381N, D382N, D296N, D390N.
Identifiers: ClinVar variation 4997103 (VCV004997103.1).

ClinVar aggregate classification (germline): Uncertain significance (1 of 4 stars; one submission).

Conditions:
RELT-related disorder. Also called: RELT-related condition.

gnomAD v4.1: 3 of 1,613,250 alleles (0.00019%); highest among the groups gnomAD compares: South Asian, 0.0033%; no homozygotes.

Submission:

PreventionGenetics, part of Exact Sciences
Classification: Uncertain significance for RELT-related condition. Last evaluated: 2025-03-26. Review status: criteria provided, single submitter. Criteria: ACMG Guidelines, 2015. Collection method: clinical testing. Allele origin: germline.
Comment: The RELT c.1144G>A variant is predicted to result in the amino acid substitution p.Asp382Asn. To our knowledge, this variant has not been reported in the literature or in a large population database (gnomAD), indicating this variant is rare. At this time, the clinical significance of this variant is uncertain due to the absence of conclusive functional and genetic evidence.